The following is an entry in ClinVar:

NM_002485.5(NBN):c.1201C>A (p.Pro401Thr)

Gene: NBN (nibrin; minus strand). Cytogenetic location: 8q21.3.
Variant type: single nucleotide variant.
Coding change: c.1201C>A on transcript NM_002485.5 (MANE Select); coding-DNA position 1201, C replaced by A.
Protein change: p.Pro401Thr; replaces proline 401 with threonine.
Molecular consequence: missense variant.
Genome position (GRCh38, 1-based): chr8:89,955,479, G>T on the plus strand (C>A on the coding strand, the complement: NBN is on the minus strand). VCF-style: chr8-89955479-G-T. GRCh37 (hg19) VCF-style: chr8-90967707-G-T.
Other names: c.955C>A, p.Pro319Thr (NM_001024688.3); short protein forms P319T, P401T.
Identifiers: ClinVar variation 2756854 (VCV002756854.3), dbSNP rs2129720976, ClinGen allele CA371656371.
Genomic context (GRCh38, chr8:89,955,479, plus strand): 5'-AAGTATTTGATACCATACTATTATTATTAGAGCTTGTTTTGCAGGACTCCTTTACAGTGG[G>T]TGCATCTTGTGAAAGCATTCTGAATTTTTGTTCCATTTTGGAGACTTTGATTTCTTTTGG-3'
Protein context (NP_002476.2, residues 391-411): QKFRMLSQDA[Pro401Thr]TVKESCKTSS

ClinVar aggregate classification (germline): Uncertain significance (1 of 4 stars; one submission).

Conditions:
Microcephaly, normal intelligence and immunodeficiency (NBS). Also called: IMMUNODEFICIENCY, MICROCEPHALY, AND CHROMOSOMAL INSTABILITY; SEEMANOVA SYNDROME II; Immunodeficiency, microcephaly with normal intelligence; Nijmegen breakage syndrome; Microcephaly with normal intelligence immunodeficiency and lymphoreticular malignancies; Nonsyndromal microcephaly autosomal recessive with normal intelligence. Identifiers: Orphanet 647, MedGen C0398791, MONDO:0009623, OMIM 251260.

Submission:

Labcorp Genetics (formerly Invitae), Labcorp
Classification: Uncertain significance for Microcephaly, normal intelligence and immunodeficiency. Last evaluated: 2023-08-31. Review status: criteria provided, single submitter. Criteria: Invitae Variant Classification Sherloc (09022015). Collection method: clinical testing. Allele origin: germline.
Comment: This variant is not present in population databases (gnomAD no frequency). This sequence change replaces proline, which is neutral and non-polar, with threonine, which is neutral and polar, at codon 401 of the NBN protein (p.Pro401Thr). This variant has not been reported in the literature in individuals affected with NBN-related conditions. An algorithm developed to predict the effect of missense changes on protein structure and function (PolyPhen-2) suggests that this variant is likely to be tolerated. In summary, the available evidence is currently insufficient to determine the role of this variant in disease. Therefore, it has been classified as a Variant of Uncertain Significance.